The following is an entry in ClinVar:

NM_006245.4(PPP2R5D):c.621G>T (p.Trp207Cys)

Gene: PPP2R5D (protein phosphatase 2 regulatory subunit B'delta; plus strand). Cytogenetic location: 6p21.1.
Variant type: single nucleotide variant.
Coding change: c.621G>T on transcript NM_006245.4 (MANE Select); coding-DNA position 621, G replaced by T.
Protein change: p.Trp207Cys; replaces tryptophan 207 with cysteine.
Molecular consequence: missense variant.
Genome position (GRCh38, 1-based): chr6:43,007,294, G>T. VCF-style: chr6-43007294-G-T. GRCh37 (hg19) VCF-style: chr6-42975032-G-T.
Other names: c.621G>T (NM_006245.3); c.168G>T, p.Trp56Cys (NM_001270476.2); c.525G>T, p.Trp175Cys (NM_180976.3); c.303G>T, p.Trp101Cys (NM_180977.3); short protein forms W175C, W101C, W207C, W56C.
Identifiers: ClinVar variation 1395783 (VCV001395783.6), dbSNP rs2150278805, ClinGen allele CA364185495.

ClinVar aggregate classification (germline): Pathogenic. Review status: criteria provided, multiple submitters, no conflicts (2 of 4 stars). 2 submissions from 2 submitters: Pathogenic (2). Last evaluated 2023-03-17.

Submissions (2):

GeneDx
Classification: Pathogenic. Last evaluated: 2023-03-17. Review status: criteria provided, single submitter. Criteria: GeneDx Variant Classification Process June 2021. Collection method: clinical testing. Allele origin: germline. Affected: yes.
Comment: Not observed at significant frequency in large population cohorts (gnomAD); In silico analysis supports that this missense variant has a deleterious effect on protein structure/function; Has not been previously published as pathogenic or benign to our knowledge

Labcorp Genetics (formerly Invitae), Labcorp
Classification: Pathogenic. Last evaluated: 2022-01-31. Review status: criteria provided, single submitter. Criteria: Invitae Variant Classification Sherloc (09022015). Collection method: clinical testing. Allele origin: germline.
Comment: For these reasons, this variant has been classified as Pathogenic. This variant disrupts the p.Trp207 amino acid residue in PPP2R5D. Other variant(s) that disrupt this residue have been determined to be pathogenic (PMID: 24896178, 26168268). This suggests that this residue is clinically significant, and that variants that disrupt this residue are likely to be disease-causing. Algorithms developed to predict the effect of missense changes on protein structure and function (SIFT, PolyPhen-2, Align-GVGD) all suggest that this variant is likely to be disruptive. This missense change has been observed in individual(s) with clinical features of PPP2R5D-related conditions (Invitae). In at least one individual the variant was observed to be de novo. This variant is not present in population databases (gnomAD no frequency). This sequence change replaces tryptophan, which is neutral and slightly polar, with cysteine, which is neutral and slightly polar, at codon 207 of the PPP2R5D protein (p.Trp207Cys).

Literature cited by the submitters: PubMed 24896178 (cited by Labcorp Genetics (formerly Invitae), Labcorp); PubMed 26168268 (cited by Labcorp Genetics (formerly Invitae), Labcorp).